The following is an entry in ClinVar:

NM_201253.3(CRB1):c.3311G>A (p.Gly1104Asp)

Gene: CRB1 (crumbs cell polarity complex component 1; plus strand). Cytogenetic location: 1q31.3.
Variant type: single nucleotide variant.
Coding change: c.3311G>A on transcript NM_201253.3 (MANE Select); coding-DNA position 3311, G replaced by A.
Protein change: p.Gly1104Asp; replaces glycine 1104 with aspartic acid.
Molecular consequence: missense variant. On other transcripts: non-coding transcript variant (2), intron variant (1).
Genome position (GRCh38, 1-based): chr1:197,435,174, G>A. VCF-style: chr1-197435174-G-A. GRCh37 (hg19) VCF-style: chr1-197404304-G-A.
Other names: c.2975G>A, p.Gly992Asp (NM_001193640.2); c.3239G>A, p.Gly1080Asp (NM_001257965.2); c.2129-426G>A (NM_001257966.2); short protein forms G1104D, G1080D, G992D.
Identifiers: ClinVar variation 3544477 (VCV003544477.1).

ClinVar aggregate classification (germline): Likely pathogenic (1 of 4 stars; one submission).

Conditions:
Retinitis pigmentosa (RP). Identifiers: Orphanet 791, MedGen C0035334, MeSH D012174, MONDO:0019200, OMIM 268000. Inheritance: Autosomal dominant, autosomal recessive and X linked inheritance.

gnomAD v4.1: 1 of 1,613,916 alleles (0.000062%); highest among the groups gnomAD compares: Non-Finnish European, 0.000085%; no homozygotes.

Submission:

Lab De Baere, Eye and Developmental Genetics Lab, Ghent University
Classification: Likely pathogenic for Retinitis pigmentosa. Last evaluated: 2024-10-01. Review status: criteria provided, single submitter. Criteria: ACMG Guidelines, 2015. Collection method: research. Allele origin: inherited. Affected: yes. Observed: 1 variant allele.
Comment: ACMG/AMP guidelines: PM2, PP3, PM1, PM3_1